The following is an entry in ClinVar:

NM_006946.4(SPTBN2):c.6953C>T (p.Ser2318Leu)

Gene: SPTBN2 (spectrin beta, non-erythrocytic 2; minus strand). Cytogenetic location: 11q13.2.
Variant type: single nucleotide variant.
Coding change: c.6953C>T on transcript NM_006946.4 (MANE Select); coding-DNA position 6953, C replaced by T.
Protein change: p.Ser2318Leu; replaces serine 2318 with leucine.
Molecular consequence: missense variant.
Genome position (GRCh38, 1-based): chr11:66,686,091, G>A on the plus strand (C>T on the coding strand, the complement: SPTBN2 is on the minus strand). VCF-style: chr11-66686091-G-A. GRCh37 (hg19) VCF-style: chr11-66453562-G-A.
Other names: c.6974C>T, p.Ser2325Leu (NM_001411025.1); short protein forms S2318L, S2325L.
Identifiers: ClinVar variation 2996372 (VCV002996372.12), dbSNP rs780506142, ClinGen allele CA6127673.

ClinVar aggregate classification (germline): Conflicting classifications of pathogenicity. Review status: criteria provided, conflicting classifications (1 of 4 stars). 3 submissions from 3 submitters: Uncertain significance (2); Likely benign (1). Last evaluated 2025-11-01.

Conditions:
Spinocerebellar ataxia type 5 (SCA5). Identifiers: Orphanet 98766, MedGen C0752123, MONDO:0010848, OMIM 600224.

Allele frequency attached by ClinVar (database versions not stated): gnomAD exomes 0.00001; ExAC 0.00002; TOPMed 0.00002; gnomAD 0.00003.
gnomAD v4.1: 19 of 1,613,336 alleles (0.0012%); highest among the groups gnomAD compares: South Asian, 0.016%; no homozygotes.

Submissions (3):

CeGaT Center for Human Genetics Tuebingen
Classification: Uncertain significance. Last evaluated: 2025-11-01. Review status: criteria provided, single submitter. Criteria: CeGaT Center For Human Genetics Tuebingen Variant Classification Criteria Version 2. Collection method: clinical testing. Allele origin: germline. Affected: yes. Observed: 1 variant allele.
Comment: SPTBN2: PM2

Neuberg Centre For Genomic Medicine, NCGM
Classification: Uncertain significance for Spinocerebellar ataxia type 5. Last evaluated: 2023-05-20. Review status: criteria provided, single submitter. Criteria: ACMG Guidelines, 2015. Collection method: clinical testing. Allele origin: germline. Inheritance: Autosomal dominant inheritance. Affected: yes.
Comment: The missense c.6953C>T (p.Ser2318Leu) variant in the SPTBN2 gene has not been reported previously as a pathogenic variant nor as a benign variant, to our knowledge. This variant is reported with the allele frequency (0.001%) in the gnomAD Exomes. The amino acid Serine at position 2318 is changed to a Leucine changing protein sequence and it might alter its composition and physico-chemical properties. Computational evidence (Polyphen - Probably damaging, SIFT - Tolerated and MutationTaster - Disease causing) predicts conflicting evidence on protein structure and function for this variant. The amino acid change p.Ser2318Leu in SPTBN2 is predicted as conserved by GERP++ and PhyloP across 100 vertebrates. For these reasons, this variant has been classified as Uncertain Significance.

Labcorp Genetics (formerly Invitae), Labcorp
Classification: Likely benign. Last evaluated: 2022-11-28. Review status: criteria provided, single submitter. Criteria: Invitae Variant Classification Sherloc (09022015). Collection method: clinical testing. Allele origin: germline.